The following is an entry in ClinVar:

ClinVar aggregate classification (germline): Likely benign. Review status: criteria provided, multiple submitters, no conflicts (2 of 4 stars). 2 submissions from 2 submitters: Likely benign (2). Last evaluated 2025-03-28.

gnomAD v4.1: 149 of 1,614,046 alleles (0.0092%); highest among the groups gnomAD compares: South Asian, 0.14%; no homozygotes.

Submissions (2):

Mayo Clinic Laboratories, Mayo Clinic
Classification: Likely benign. Last evaluated: 2025-03-28. Review status: criteria provided, single submitter. Criteria: ACMG Guidelines, 2015. Collection method: clinical testing. Allele origin: germline. Observed: 1 variant allele.
Comment: BS1_supporting, BP4, BP7

Blueprint Genetics
Classification: Likely benign. Last evaluated: 2023-10-20. Review status: criteria provided, single submitter. Criteria: ACMG Guidelines, 2015. Collection method: clinical testing. Allele origin: germline.

NM_001042472.3(ABHD12):c.*8C>T

Gene: ABHD12 (abhydrolase domain containing 12, lysophospholipase; minus strand). Cytogenetic location: 20p11.21.
Variant type: single nucleotide variant.
Coding change: c.*8C>T on transcript NM_001042472.3 (MANE Select); 8 bases downstream of the stop codon, C replaced by T.
Molecular consequence: 3 prime UTR variant. On other transcripts: intron variant (1).
Genome position (GRCh38, 1-based): chr20:25,300,837, G>A on the plus strand (C>T on the coding strand, the complement: ABHD12 is on the minus strand). VCF-style: chr20-25300837-G-A. GRCh37 (hg19) VCF-style: chr20-25281473-G-A.
Other names: c.1157+1382C>T (NM_015600.5).
Identifiers: ClinVar variation 4684415 (VCV004684415.2).